The following is an entry in ClinVar:

ClinVar aggregate classification (germline): Uncertain significance. Review status: criteria provided, multiple submitters, no conflicts (2 of 4 stars). 5 submissions from 5 submitters: Uncertain significance (4). 1 of the submissions does not count toward it. Last evaluated 2025-03-17.

Conditions:
Leber congenital amaurosis (LCA). Also called: Leber's amaurosis. Identifiers: Orphanet 65, MedGen C0339527, MeSH D057130, MONDO:0018998.
Inborn genetic diseases. Identifiers: MedGen C0950123, MeSH D030342.
Retinitis Pigmentosa, Recessive.
Leber congenital amaurosis 13 (LCA13). Identifiers: MedGen C2675186, MONDO:0012990, OMIM 612712.

Allele frequency attached by ClinVar (database versions not stated): TOPMed 0.00002; ExAC 0.00003; gnomAD 0.00003 and 0.00004; gnomAD exomes 0.00003; ESP Exome Variant Server 0.00015.
gnomAD v4.1: 27 of 1,604,592 alleles (0.0017%); highest among the groups gnomAD compares: Non-Finnish European, 0.0022%; no homozygotes.

Submissions (5):

Labcorp Genetics (formerly Invitae), Labcorp
Classification: Uncertain significance for Leber congenital amaurosis 13. Last evaluated: 2025-03-17. Review status: criteria provided, single submitter. Criteria: Invitae Variant Classification Sherloc (09022015). Collection method: clinical testing. Allele origin: germline.
Comment: This sequence change replaces serine, which is neutral and polar, with tyrosine, which is neutral and polar, at codon 252 of the RDH12 protein (p.Ser252Tyr). This variant is present in population databases (rs376787473, gnomAD 0.007%). This variant has not been reported in the literature in individuals affected with RDH12-related conditions. ClinVar contains an entry for this variant (Variation ID: 882201). Invitae Evidence Modeling of protein sequence and biophysical properties (such as structural, functional, and spatial information, amino acid conservation, physicochemical variation, residue mobility, and thermodynamic stability) indicates that this missense variant is not expected to disrupt RDH12 protein function with a negative predictive value of 80%. In summary, the available evidence is currently insufficient to determine the role of this variant in disease. Therefore, it has been classified as a Variant of Uncertain Significance.

Ambry Genetics
Classification: Uncertain significance for Inborn genetic diseases. Last evaluated: 2024-06-28. Review status: criteria provided, single submitter. Criteria: Ambry Variant Classification Scheme 2023. Collection method: clinical testing. Allele origin: germline.

Blueprint Genetics
Classification: Uncertain significance. Last evaluated: 2022-04-02. Review status: criteria provided, single submitter. Criteria: ACMG Guidelines, 2015. Collection method: clinical testing. Allele origin: germline.

Illumina Laboratory Services, Illumina
Classification: Uncertain significance for Retinitis Pigmentosa, Recessive. Last evaluated: 2017-04-27. Review status: criteria provided, single submitter. Criteria: ICSL Variant Classification Criteria 13 December 2019. Collection method: clinical testing. Allele origin: germline.

Natera, Inc.
Classification: Uncertain significance for Leber congenital amaurosis. Last evaluated: 2020-03-11. Review status: no assertion criteria provided. Collection method: clinical testing. Allele origin: germline. Not counted in ClinVar's aggregate classification.

NM_152443.3(RDH12):c.755C>A (p.Ser252Tyr)

Genes: GPHN (gephyrin; plus strand), RDH12 (retinol dehydrogenase 12; plus strand), ZFYVE26 (zinc finger FYVE-type containing 26; minus strand). Cytogenetic location: 14q24.1.
Variant type: single nucleotide variant.
Coding change: c.755C>A on transcript NM_152443.3 (MANE Select); coding-DNA position 755, C replaced by A.
Protein change: p.Ser252Tyr; replaces serine 252 with tyrosine.
Molecular consequence: missense variant.
Genome position (GRCh38, 1-based): chr14:67,729,287, C>A. VCF-style: chr14-67729287-C-A. GRCh37 (hg19) VCF-style: chr14-68196004-C-A.
Other names: short protein forms S252Y.
Identifiers: ClinVar variation 882201 (VCV000882201.12), dbSNP rs376787473, ClinGen allele CA7238808.